The following is an entry in ClinVar:

NM_001399.5(EDA):c.[866G>C;868A>T]

Variant type: Haplotype.
Identifiers: ClinVar variation 1256048 (VCV001256048.3).

ClinVar aggregate classification (germline): Pathogenic (0 of 4 stars; one submission).

Conditions:
Hypohidrotic X-linked ectodermal dysplasia (XHED). Also called: Christ-Siemans-Touraine syndrome; ECTODERMAL DYSPLASIA, HYPOHIDROTIC, 1; CST SYNDROME; ECTODERMAL DYSPLASIA 1; Anhidrotic ectodermal dysplasia X-linked; Christ Siemens Touraine syndrome. Identifiers: Orphanet 181, Orphanet 238468, MedGen C0162359, MONDO:0010585, OMIM 305100.

Submission:

Department of Second Dental Center, Ninth People’s Hospital, Shanghai Jiao Tong University School of Medicine
Classification: Pathogenic for Hypohidrotic X-linked ectodermal dysplasia. Review status: no assertion criteria provided. Collection method: clinical testing, in vivo. Allele origin: de novo, not applicable. Inheritance: X-linked inheritance. Affected: yes. Observed: 1 hemizygote.
Comment: Genomic DNA was extracted from two HED patients and sequenced using whole-exome sequencing (WES). To find the pathogenic mutations from a large number of variants, we needed to further analyze. The processes were as follows: 1) removed mutations with frequency >1% in more than one of four frequency databases: 1000 Genomes Project Database, dbSNP, NHLBI Exome Variant Server, Genome Aggregation Database; 2) reserved mutations in exons and splicing regions (splicing junction 10 bp); 3) removed synonymous mutations that were not predicted to alter amino acid by the software, and removed small (<10 bp) nonframeshift indel mutations in the repeat region; 4) reserved mutations that were predicted as harmful according to the softwares of SIFT, Polyphen, MutationTaster and CADD (implemented in the dbNSFP database). The detected mutations were confirmed in the patients and family members using Sanger sequencing. We identified two novel EDA mutations: c.1136T>C (p.Phe379Ser) and c.[866G>C;868A>T] (p.[Arg289Pro;Ser290Cys]).